The following is an entry in ClinVar:

NM_001321075.3(DLG4):c.1994T>C (p.Ile665Thr)

Gene: DLG4 (discs large MAGUK scaffold protein 4; minus strand). Cytogenetic location: 17p13.1.
Variant type: single nucleotide variant.
Coding change: c.1994T>C on transcript NM_001321075.3 (MANE Select); coding-DNA position 1994, T replaced by C.
Protein change: p.Ile665Thr; replaces isoleucine 665 with threonine.
Molecular consequence: missense variant. On other transcripts: non-coding transcript variant (1).
Genome position (GRCh38, 1-based): chr17:7,191,341, A>G on the plus strand (T>C on the coding strand, the complement: DLG4 is on the minus strand). VCF-style: chr17-7191341-A-G. GRCh37 (hg19) VCF-style: chr17-7094660-A-G.
Other names: c.1985T>C, p.Ile662Thr (NM_001128827.4); c.2114T>C, p.Ile705Thr (NM_001321074.1); c.1814T>C, p.Ile605Thr (NM_001321076.3, NM_001321077.3); c.2123T>C, p.Ile708Thr (NM_001365.5); c.1913T>C, p.Ile638Thr (NM_001369566.3); short protein forms I605T, I638T, I662T, I665T, I705T, I708T.
Identifiers: ClinVar variation 3363894 (VCV003363894.1).

ClinVar aggregate classification (germline): Uncertain significance (1 of 4 stars; one submission).

gnomAD v4.1: 2 of 1,613,688 alleles (0.00012%); highest among the groups gnomAD compares: South Asian, 0.0022%; no homozygotes.

Submission:

GeneDx
Classification: Uncertain significance. Last evaluated: 2023-11-09. Review status: criteria provided, single submitter. Criteria: GeneDx Variant Classification Process June 2021. Collection method: clinical testing. Allele origin: germline. Affected: yes.
Comment: Not observed at significant frequency in large population cohorts (gnomAD); In silico analysis supports that this missense variant does not alter protein structure/function; Has not been previously published as pathogenic or benign to our knowledge